The following is an entry in ClinVar:

NM_144772.3(NAXE):c.20T>C (p.Leu7Pro)

Gene: NAXE (NAD(P)HX epimerase; plus strand). Cytogenetic location: 1q22.
Variant type: single nucleotide variant.
Coding change: c.20T>C on transcript NM_144772.3 (MANE Select); coding-DNA position 20, T replaced by C.
Protein change: p.Leu7Pro; replaces leucine 7 with proline.
Molecular consequence: missense variant.
Genome position (GRCh38, 1-based): chr1:156,591,824, T>C. VCF-style: chr1-156591824-T-C. GRCh37 (hg19) VCF-style: chr1-156561616-T-C.
Other names: short protein forms L7P.
Identifiers: ClinVar variation 1367726 (VCV001367726.8), dbSNP rs2102488763, ClinGen allele CA342870211.

ClinVar aggregate classification (germline): Uncertain significance (1 of 4 stars; one submission).

gnomAD v4.1: 1 of 1,604,728 alleles (0.000062%); highest among the groups gnomAD compares: Non-Finnish European, 0.000085%; no homozygotes.

Submission:

Labcorp Genetics (formerly Invitae), Labcorp
Classification: Uncertain significance. Last evaluated: 2024-08-13. Review status: criteria provided, single submitter. Criteria: Invitae Variant Classification Sherloc (09022015). Collection method: clinical testing. Allele origin: germline.
Comment: This sequence change replaces leucine, which is neutral and non-polar, with proline, which is neutral and non-polar, at codon 7 of the NAXE protein (p.Leu7Pro). This variant is not present in population databases (gnomAD no frequency). This variant has not been reported in the literature in individuals affected with NAXE-related conditions. ClinVar contains an entry for this variant (Variation ID: 1367726). Experimental studies and prediction algorithms are not available or were not evaluated, and the functional significance of this variant is currently unknown. In summary, the available evidence is currently insufficient to determine the role of this variant in disease. Therefore, it has been classified as a Variant of Uncertain Significance.